The following is an entry in ClinVar:

NM_000191.3(HMGCL):c.218C>A (p.Thr73Asn)

Gene: HMGCL (3-hydroxy-3-methylglutaryl-CoA lyase; minus strand). Cytogenetic location: 1p36.11.
Variant type: single nucleotide variant.
Coding change: c.218C>A on transcript NM_000191.3 (MANE Select); coding-DNA position 218, C replaced by A.
Protein change: p.Thr73Asn; replaces threonine 73 with asparagine.
Molecular consequence: missense variant.
Genome position (GRCh38, 1-based): chr1:23,817,510, G>T on the plus strand (C>A on the coding strand, the complement: HMGCL is on the minus strand). VCF-style: chr1-23817510-G-T. GRCh37 (hg19) VCF-style: chr1-24144000-G-T.
Other names: c.218C>A, p.Thr73Asn (NM_001166059.2); short protein forms T73N.
Identifiers: ClinVar variation 658523 (VCV000658523.8), dbSNP rs1570652345, ClinGen allele CA339029089.

ClinVar aggregate classification (germline): Uncertain significance (1 of 4 stars; one submission).

Conditions:
Deficiency of hydroxymethylglutaryl-CoA lyase (HMGCLD). Also called: HMGCL DEFICIENCY; HYDROXYMETHYLGLUTARIC ACIDURIA; Defect in leucine metabolism; 3-hydroxy-3-methylglutaric aciduria; HMG-CoA LYASE DEFICIENCY. Identifiers: Orphanet 20, MedGen C1533587, MONDO:0009520, OMIM 246450.

Submission:

Labcorp Genetics (formerly Invitae), Labcorp
Classification: Uncertain significance for Deficiency of hydroxymethylglutaryl-CoA lyase. Last evaluated: 2018-08-20. Review status: criteria provided, single submitter. Criteria: Invitae Variant Classification Sherloc (09022015). Collection method: clinical testing. Allele origin: germline.
Comment: Algorithms developed to predict the effect of missense changes on protein structure and function are either unavailable or do not agree on the potential impact of this missense change (SIFT: "Deleterious"; PolyPhen-2: "Benign"; Align-GVGD: "Class C15"). This sequence change replaces threonine with asparagine at codon 73 of the HMGCL protein (p.Thr73Asn). The threonine residue is weakly conserved and there is a small physicochemical difference between threonine and asparagine. This variant is not present in population databases (ExAC no frequency). This variant has not been reported in the literature in individuals with HMGCL-related disease. In summary, the available evidence is currently insufficient to determine the role of this variant in disease. Therefore, it has been classified as a Variant of Uncertain Significance.